The following is an entry in ClinVar:

ClinVar aggregate classification (germline): Likely pathogenic. Review status: criteria provided, single submitter (1 of 4 stars). 2 submissions from 2 submitters: Likely pathogenic (1). 1 of the submissions does not count toward it. Last evaluated 2024-10-04.

Conditions:
Familial dysautonomia. Also called: FD; HSAN III. Identifiers: Orphanet 1764, MedGen C0013364, MONDO:0009131, OMIM 223900. Disease mechanism: loss of function.

Submissions (2):

Women's Health and Genetics/Laboratory Corporation of America, LabCorp
Classification: Likely pathogenic for Familial dysautonomia. Last evaluated: 2024-10-04. Review status: criteria provided, single submitter. Criteria: LabCorp Variant Classification Summary - May 2015. Collection method: clinical testing. Allele origin: germline.
Comment: Variant summary: ELP1 c.2204+1G>A is located in a canonical splice-site and is predicted to affect mRNA splicing resulting in a significantly altered protein due to either exon skipping, shortening, or inclusion of intronic material. Variants that disrupt the consensus splice site are a relatively common cause of aberrant splicing and loss of ELP1 function. Several computational tools predict a significant impact on normal splicing: Four predict the variant abolishes a 5' splicing donor site. However, these predictions have yet to be confirmed by functional studies. The variant was absent in 251248 control chromosomes. To our knowledge, no occurrence of c.2204+1G>A in individuals affected with Familial Dysautonomia and no experimental evidence demonstrating its impact on protein function have been reported. ClinVar contains an entry for this variant (Variation ID: 371309). Based on the evidence outlined above, the variant was classified as likely pathogenic.

Counsyl
Classification: Likely pathogenic for Familial dysautonomia. Last evaluated: 2016-08-24. Review status: no assertion criteria provided. Collection method: clinical testing. Allele origin: unknown. Not counted in ClinVar's aggregate classification.

NM_003640.5(ELP1):c.2204+1G>A

Gene: ELP1 (elongator acetyltransferase complex subunit 1; minus strand). Cytogenetic location: 9q31.3.
Variant type: single nucleotide variant.
Coding change: c.2204+1G>A on transcript NM_003640.5 (MANE Select); the canonical splice donor site of the intron after coding-DNA position 2204, G replaced by A.
Molecular consequence: splice donor variant.
Genome position (GRCh38, 1-based): chr9:108,899,821, C>T on the plus strand (G>A on the coding strand, the complement: ELP1 is on the minus strand). VCF-style: chr9-108899821-C-T. GRCh37 (hg19) VCF-style: chr9-111662101-C-T.
Other names: c.1862+1G>A (NM_001318360.2); c.1157+1G>A (NM_001330749.2).
Identifiers: ClinVar variation 371309 (VCV000371309.4), dbSNP rs1057517169, ClinGen allele CA16041295.